The following is an entry in ClinVar:

ClinVar aggregate classification (germline): Pathogenic/Likely pathogenic. Review status: criteria provided, multiple submitters, no conflicts (2 of 4 stars). 5 submissions from 5 submitters: Pathogenic (2); Likely pathogenic (3). Last evaluated 2025-08-25.

Conditions:
ALMS1-related disorder. Also called: ALMS1-related condition.
Cardiovascular phenotype. Identifiers: MedGen CN230736.
Alstrom syndrome (ALMS). Identifiers: Orphanet 64, MedGen C0268425, MONDO:0008763, OMIM 203800.

Allele frequency attached by ClinVar (database versions not stated): gnomAD exomes below 0.00001; gnomAD 0.00001; TOPMed 0.00002.

Submissions (5):

Natera, Inc.
Classification: Likely pathogenic for Alstrom syndrome. Last evaluated: 2025-08-25. Review status: criteria provided, single submitter. Criteria: Natera Variant Classification Schema (03/2026). Collection method: clinical testing. Allele origin: germline.
Comment: The c.370C>T variant in ALMS1 is a nonsense variant predicted to introduce a stop codon at amino acid 124. This variant is expected to result in nonsense mediated decay, truncation, or a dysfunctional protein product. This variant is rare in the general population with a frequency below the threshold expected for the associated phenotype(s). Given the available evidence, this variant is classified as Likely Pathogenic.

Ambry Genetics
Classification: Pathogenic for Cardiovascular phenotype. Last evaluated: 2024-01-29. Review status: criteria provided, single submitter. Criteria: Ambry Variant Classification Scheme 2023. Collection method: clinical testing. Allele origin: germline.
Comment: The p.Q124* pathogenic mutation (also known as c.370C>T), located in coding exon 2 of the ALMS1 gene, results from a C to T substitution at nucleotide position 370. This changes the amino acid from a glutamine to a stop codon within coding exon 2. This alteration is expected to result in loss of function by premature protein truncation or nonsense-mediated mRNA decay. As such, this alteration is interpreted as a disease-causing mutation.

GeneDx
Classification: Likely pathogenic. Last evaluated: 2023-04-25. Review status: criteria provided, single submitter. Criteria: GeneDx Variant Classification Process June 2021. Collection method: clinical testing. Allele origin: germline. Affected: yes.
Comment: Nonsense variant predicted to result in protein truncation or nonsense mediated decay in a gene for which loss-of-function is a known mechanism of disease; Not observed at significant frequency in large population cohorts (gnomAD); Has not been previously published as pathogenic or benign to our knowledge

Labcorp Genetics (formerly Invitae), Labcorp
Classification: Pathogenic for Alstrom syndrome. Last evaluated: 2023-02-03. Review status: criteria provided, single submitter. Criteria: Invitae Variant Classification Sherloc (09022015). Collection method: clinical testing. Allele origin: germline.
Comment: This sequence change creates a premature translational stop signal (p.Gln124*) in the ALMS1 gene. It is expected to result in an absent or disrupted protein product. Loss-of-function variants in ALMS1 are known to be pathogenic (PMID: 17594715). This variant is present in population databases (no rsID available, gnomAD 0.007%). This variant has not been reported in the literature in individuals affected with ALMS1-related conditions. ClinVar contains an entry for this variant (Variation ID: 936056). Algorithms developed to predict the effect of sequence changes on RNA splicing suggest that this variant may disrupt the consensus splice site. For these reasons, this variant has been classified as Pathogenic.

Blueprint Genetics
Classification: Likely pathogenic for ALMS1-related disorders. Last evaluated: 2021-05-12. Review status: criteria provided, single submitter. Criteria: ACMG Guidelines, 2015. Collection method: clinical testing. Allele origin: germline. Affected: yes. Observed: 3 variant alleles.

Literature cited by the submitters: PubMed 17594715 (cited by Labcorp Genetics (formerly Invitae), Labcorp).

NM_001378454.1(ALMS1):c.367C>T (p.Gln123Ter)

Gene: ALMS1 (ALMS1 centrosome and basal body associated protein; plus strand). Cytogenetic location: 2p13.1.
Variant type: single nucleotide variant.
Coding change: c.367C>T on transcript NM_001378454.1 (MANE Select); coding-DNA position 367, C replaced by T.
Protein change: p.Gln123Ter; replaces glutamine 123 with a stop codon.
Molecular consequence: nonsense.
Genome position (GRCh38, 1-based): chr2:73,408,664, C>T. VCF-style: chr2-73408664-C-T. GRCh37 (hg19) VCF-style: chr2-73635792-C-T.
Other names: c.370C>T, p.Gln124Ter (NM_015120.4); short protein forms Q123*, Q124*.
Identifiers: ClinVar variation 936056 (VCV000936056.12), dbSNP rs1392057115, ClinGen allele CA347257573.